The following is an entry in ClinVar:

NM_147127.5(EVC2):c.2473C>A (p.Leu825Met)

Gene: EVC2 (EvC ciliary complex subunit 2; minus strand). Cytogenetic location: 4p16.2.
Variant type: single nucleotide variant.
Coding change: c.2473C>A on transcript NM_147127.5 (MANE Select); coding-DNA position 2473, C replaced by A.
Protein change: p.Leu825Met; replaces leucine 825 with methionine.
Molecular consequence: missense variant.
Genome position (GRCh38, 1-based): chr4:5,622,565, G>T on the plus strand (C>A on the coding strand, the complement: EVC2 is on the minus strand). VCF-style: chr4-5622565-G-T. GRCh37 (hg19) VCF-style: chr4-5624292-G-T.
Other names: c.2233C>A, p.Leu745Met (NM_001166136.2); short protein forms L745M, L825M.
Identifiers: ClinVar variation 4783490 (VCV004783490.1).
Genomic context (GRCh38, chr4:5,622,565, plus strand): 5'-GAGGGGTGATTACGACCCGCAAAGGCACTCACATGAAGATCAGGTGCTCCCAGCGTCGCA[G>T]CTCTGCCTGCTCCTCTGTCACGGCCTCAGGAGCGTCATCCTTCAGTCTCTGCCTCACGCT-3'
Protein context (NP_667338.3, residues 815-835): PEAVTEEQAE[Leu825Met]RRWEHLIFMK

ClinVar aggregate classification (germline): Uncertain significance (1 of 4 stars; one submission).

Conditions:
Curry-Hall syndrome (WAD). Also called: WEYERS ACRODENTAL DYSOSTOSIS. Identifiers: Orphanet 952, MedGen C0457013, MONDO:0008673, OMIM 193530.
Ellis-van Creveld syndrome (EVC). Also called: EVC-Related Ellis-van Creveld Syndrome; EVC2-Related Ellis-van Creveld Syndrome; MESOECTODERMAL DYSPLASIA; Chondroectodermal dysplasia. Identifiers: Orphanet 289, MedGen C0013903, MONDO:0009162, OMIM 225500.

gnomAD v4.1: 20 of 1,613,840 alleles (0.0012%); highest among the groups gnomAD compares: Non-Finnish European, 0.0015%; no homozygotes.

Submission:

Labcorp Genetics (formerly Invitae), Labcorp
Classification: Uncertain significance for Curry-Hall syndrome; Ellis-van Creveld syndrome. Last evaluated: 2026-01-15. Review status: criteria provided, single submitter. Criteria: Invitae Variant Classification Sherloc (09022015). Collection method: clinical testing. Allele origin: germline.
Comment: This sequence change replaces leucine, which is neutral and non-polar, with methionine, which is neutral and non-polar, at codon 825 of the EVC2 protein (p.Leu825Met). This variant is present in population databases (rs774185697, gnomAD 0.002%). This variant has not been reported in the literature in individuals affected with EVC2-related conditions. An algorithm developed to predict the effect of missense changes on protein structure and function (PolyPhen-2) suggests that this variant is likely to be disruptive. In summary, the available evidence is currently insufficient to determine the role of this variant in disease. Therefore, it has been classified as a Variant of Uncertain Significance.